The following is an entry in ClinVar:

NM_015570.4(AUTS2):c.1567G>A (p.Glu523Lys)

Gene: AUTS2 (activator of transcription and developmental regulator AUTS2; plus strand). Cytogenetic location: 7q11.22.
Variant type: single nucleotide variant.
Coding change: c.1567G>A on transcript NM_015570.4 (MANE Select); coding-DNA position 1567, G replaced by A.
Protein change: p.Glu523Lys; replaces glutamic acid 523 with lysine.
Molecular consequence: missense variant.
Genome position (GRCh38, 1-based): chr7:70,766,212, G>A. VCF-style: chr7-70766212-G-A. GRCh37 (hg19) VCF-style: chr7-70231198-G-A.
Other names: c.1567G>A, p.Glu523Lys (NM_001127231.3); short protein forms E523K.
Identifiers: ClinVar variation 3377717 (VCV003377717.1).

ClinVar aggregate classification (germline): Uncertain significance (1 of 4 stars; one submission).

Conditions:
Autism spectrum disorder due to AUTS2 deficiency (MRD26). Also called: INTELLECTUAL DEVELOPMENTAL DISORDER, AUTOSOMAL DOMINANT 26. Identifiers: Orphanet 352490, MedGen C4014435, MONDO:0014361, OMIM 615834.

gnomAD v4.1: 1 of 1,614,070 alleles (0.000062%); highest among the groups gnomAD compares: Non-Finnish European, 0.000085%; no homozygotes.

Submission:

Neuberg Centre For Genomic Medicine, NCGM
Classification: Uncertain significance for Autism spectrum disorder due to AUTS2 deficiency. Last evaluated: 2023-06-22. Review status: criteria provided, single submitter. Criteria: ACMG Guidelines, 2015. Collection method: clinical testing. Allele origin: germline. Inheritance: Autosomal dominant inheritance. Affected: yes.
Comment: The observed missense variant c.1567G>A(p.Glu523Lys) in the AUTS2 gene has not been reported previously as a pathogenic variant nor as a benign variant, to our knowledge. This variant is absent in the gnomAD Exomes. The amino acid Glu at position 523 is changed to a Lys changing protein sequence and it might alter its composition and physico-chemical properties. Multiple lines of computational evidence (Polyphen - Damaging, SIFT - Damaging and MutationTaster - Disease causing) predict a damaging effect on protein structure and function for this variant. The residue is conserved by GERP++ and PhyloP across 100 vertebrates. For these reasons, this variant has been classified as Uncertain Significance.